The following is an entry in ClinVar:

NM_002968.3(SALL1):c.469_512dup (p.Ile172fs)

Gene: SALL1 (spalt like transcription factor 1; minus strand). Cytogenetic location: 16q12.1.
Variant type: Duplication.
Coding change: c.469_512dup on transcript NM_002968.3 (MANE Select); coding-DNA positions 469 to 512, 44 bases duplicated.
Protein change: p.Ile172fs; shifts the reading frame from isoleucine 172.
Molecular consequence: frameshift variant.
Genome position (GRCh38, 1-based): chr16:51,141,710-51,141,753, 44 bases duplicated; duplicating any 44 consecutive bases within chr16:51,141,710-51,141,757 gives the same sequence; the c. name uses the placement nearest the transcript's 3' end. GRCh37 (hg19): chr16:51,175,625-51,175,668.
Other names: c.178_221dup, p.Ile75fs (NM_001127892.2); short protein forms I172fs, I75fs.
Identifiers: ClinVar variation 2103715 (VCV002103715.4), dbSNP rs2506496552, ClinGen allele CA2580091583.

ClinVar aggregate classification (germline): Pathogenic (1 of 4 stars; one submission).

Conditions:
Townes syndrome (TBS). Also called: Townes-Brocks syndrome. Identifiers: Orphanet 857, MedGen C0265246, MeSH C536974, MONDO:0007142.

Submission:

Labcorp Genetics (formerly Invitae), Labcorp
Classification: Pathogenic for Townes syndrome. Last evaluated: 2022-02-26. Review status: criteria provided, single submitter. Criteria: Invitae Variant Classification Sherloc (09022015). Collection method: clinical testing. Allele origin: germline.
Comment: For these reasons, this variant has been classified as Pathogenic. This variant has not been reported in the literature in individuals affected with SALL1-related conditions. This variant is not present in population databases (gnomAD no frequency). This sequence change creates a premature translational stop signal (p.Ile172Alafs*26) in the SALL1 gene. It is expected to result in an absent or disrupted protein product. Loss-of-function variants in SALL1 are known to be pathogenic (PMID: 9973281, 12915476, 16088922, 23069192).

Literature cited by the submitters: PubMed 9973281; PubMed 12915476; PubMed 16088922; PubMed 23069192.